The following is an entry in ClinVar:

ClinVar aggregate classification (germline): Likely benign (1 of 4 stars; one submission).

Submission:

CeGaT Center for Human Genetics Tuebingen
Classification: Likely benign. Last evaluated: 2026-05-01. Review status: criteria provided, single submitter. Criteria: CeGaT Center For Human Genetics Tuebingen Variant Classification Criteria Version 2. Collection method: clinical testing. Allele origin: germline. Affected: yes. Observed: 1 variant allele.
Comment: ZNF75D: PM2:Supporting, BP4, BP7

NM_007131.5(ZNF75D):c.270A>G (p.Glu90=)

Gene: ZNF75D (zinc finger protein 75D; minus strand). Cytogenetic location: Xq26.3.
Variant type: single nucleotide variant.
Coding change: c.270A>G on transcript NM_007131.5 (MANE Select); coding-DNA position 270, A replaced by G.
Protein change: p.Glu90=; no amino-acid change (glutamic acid 90 retained).
Molecular consequence: synonymous variant.
Genome position (GRCh38, 1-based): chrX:135,293,871, T>C on the plus strand (A>G on the coding strand, the complement: ZNF75D is on the minus strand). VCF-style: chrX-135293871-T-C. GRCh37 (hg19) VCF-style: chrX-134427797-T-C.
Other names: c.270A>G, p.Glu90= (NM_001185063.2).
Identifiers: ClinVar variation 4873985 (VCV004873985.2).